The following is an entry in ClinVar:

NM_000936.4(PNLIP):c.859T>C (p.Tyr287His)

Gene: PNLIP (pancreatic lipase; plus strand). Cytogenetic location: 10q25.3.
Variant type: single nucleotide variant.
Coding change: c.859T>C on transcript NM_000936.4 (MANE Select); coding-DNA position 859, T replaced by C.
Protein change: p.Tyr287His; replaces tyrosine 287 with histidine.
Molecular consequence: missense variant.
Genome position (GRCh38, 1-based): chr10:116,556,047, T>C. VCF-style: chr10-116556047-T-C. GRCh37 (hg19) VCF-style: chr10-118315559-T-C.
Other names: c.859T>C (NM_000936.2); short protein forms Y287H.
Identifiers: ClinVar variation 2869117 (VCV002869117.2), dbSNP rs925285521, ClinGen allele CA214644943.

ClinVar aggregate classification (germline): Uncertain significance. Review status: criteria provided, multiple submitters, no conflicts (2 of 4 stars). 2 submissions from 2 submitters: Uncertain significance (2). Last evaluated 2025-03-27.

Allele frequency attached by ClinVar (database versions not stated): gnomAD exomes below 0.00001; TOPMed 0.00003; gnomAD 0.00004.
gnomAD v4.1: 7 of 1,613,910 alleles (0.00043%); highest among the groups gnomAD compares: African/African-American, 0.0093%; no homozygotes.

Submissions (2):

Ambry Genetics
Classification: Uncertain significance. Last evaluated: 2025-03-27. Review status: criteria provided, single submitter. Criteria: Ambry Variant Classification Scheme 2023. Collection method: clinical testing. Allele origin: germline.

Labcorp Genetics (formerly Invitae), Labcorp
Classification: Uncertain significance. Last evaluated: 2023-06-15. Review status: criteria provided, single submitter. Criteria: Invitae Variant Classification Sherloc (09022015). Collection method: clinical testing. Allele origin: germline.
Comment: In summary, the available evidence is currently insufficient to determine the role of this variant in disease. Therefore, it has been classified as a Variant of Uncertain Significance. Advanced modeling of protein sequence and biophysical properties (such as structural, functional, and spatial information, amino acid conservation, physicochemical variation, residue mobility, and thermodynamic stability) performed at Invitae indicates that this missense variant is expected to disrupt PNLIP protein function. This variant has not been reported in the literature in individuals affected with PNLIP-related conditions. This variant is present in population databases (no rsID available, gnomAD 0.01%). This sequence change replaces tyrosine, which is neutral and polar, with histidine, which is basic and polar, at codon 287 of the PNLIP protein (p.Tyr287His).